The following is an entry in ClinVar:

NM_054027.6(ANKH):c.*2714T>C

Genes: ANKH (ANKH inorganic pyrophosphate transport regulator; minus strand), OTULIN (OTU deubiquitinase with linear linkage specificity; plus strand). Cytogenetic location: 5p15.2.
Variant type: single nucleotide variant.
Coding change: c.*2714T>C on transcript NM_054027.6 (MANE Select); 2714 bases downstream of the stop codon, T replaced by C.
Molecular consequence: 3 prime UTR variant.
Genome position (GRCh38, 1-based): chr5:14,708,483, A>G on the plus strand (T>C on the coding strand, the complement: ANKH is on the minus strand). VCF-style: chr5-14708483-A-G. GRCh37 (hg19) VCF-style: chr5-14708592-A-G.
Identifiers: ClinVar variation 351441 (VCV000351441.5), dbSNP rs141202503, ClinGen allele CA10623029.

ClinVar aggregate classification (germline): Benign. Review status: criteria provided, single submitter (1 of 4 stars). 2 submissions from 1 submitter: Benign (2). Last evaluated 2018-01-13.

Conditions:
Chondrocalcinosis 2. Also called: CALCIUM GOUT; CALCIUM PYROPHOSPHATE ARTHROPATHY; Familial calcium pyrophosphate deposition. Identifiers: Orphanet 1416, MedGen C0856830, MONDO:0007319, OMIM 118600.
Craniometaphyseal dysplasia, autosomal dominant (CMDD). Identifiers: Orphanet 1522, MedGen C1852502, MONDO:0007397, OMIM 123000.

Allele frequency attached by ClinVar (database versions not stated): gnomAD 0.00086 and 0.00109; TOPMed 0.00092; 1000 Genomes Project 30x 0.00531; 1000 Genomes Project 0.00579.

Submissions (2):

Illumina Laboratory Services, Illumina
Classification: Benign for Craniometaphyseal dysplasia, autosomal dominant. Last evaluated: 2018-01-13. Review status: criteria provided, single submitter. Criteria: ICSL Variant Classification Criteria 13 December 2019. Collection method: clinical testing. Allele origin: germline.
Comment: This variant was observed in the ICSL laboratory as part of a predisposition screen in an ostensibly healthy population. It had not been previously curated by ICSL or reported in the Human Gene Mutation Database (HGMD: prior to June 1st, 2018), and was therefore a candidate for classification through an automated scoring system. Utilizing variant allele frequency, disease prevalence and penetrance estimates, and inheritance mode, an automated score was calculated to assess if this variant is too frequent to cause the disease. Based on the score and internal cut-off values, a variant classified as benign is not then subjected to further curation. The score for this variant resulted in a classification of benign for this disease.

Illumina Laboratory Services, Illumina
Classification: Benign for Chondrocalcinosis 2. Last evaluated: 2018-01-13. Review status: criteria provided, single submitter. Criteria: ICSL Variant Classification Criteria 13 December 2019. Collection method: clinical testing. Allele origin: germline.
Comment: the same text as in the submission from Illumina Laboratory Services, Illumina above.